The following is an entry in ClinVar:

ClinVar aggregate classification (germline): Uncertain significance (1 of 4 stars; one submission).

gnomAD v4.1: 2 of 1,613,976 alleles (0.00012%); highest among the groups gnomAD compares: Non-Finnish European, 0.00017%; no homozygotes.

Submission:

Labcorp Genetics (formerly Invitae), Labcorp
Classification: Uncertain significance. Last evaluated: 2022-07-05. Review status: criteria provided, single submitter. Criteria: Invitae Variant Classification Sherloc (09022015). Collection method: clinical testing. Allele origin: germline.
Comment: This sequence change replaces lysine, which is basic and polar, with glutamic acid, which is acidic and polar, at codon 3680 of the HSPG2 protein (p.Lys3680Glu). This variant is not present in population databases (gnomAD no frequency). This variant has not been reported in the literature in individuals affected with HSPG2-related conditions. ClinVar contains an entry for this variant (Variation ID: 1495286). Algorithms developed to predict the effect of missense changes on protein structure and function are either unavailable or do not agree on the potential impact of this missense change (SIFT: "Tolerated"; PolyPhen-2: "Probably Damaging"; Align-GVGD: "Class C0"). Algorithms developed to predict the effect of sequence changes on RNA splicing suggest that this variant may disrupt the consensus splice site. In summary, the available evidence is currently insufficient to determine the role of this variant in disease. Therefore, it has been classified as a Variant of Uncertain Significance.

NM_005529.7(HSPG2):c.11038A>G (p.Lys3680Glu)

Gene: HSPG2 (heparan sulfate proteoglycan 2; minus strand). Cytogenetic location: 1p36.12.
Variant type: single nucleotide variant.
Coding change: c.11038A>G on transcript NM_005529.7 (MANE Select); coding-DNA position 11038, A replaced by G.
Protein change: p.Lys3680Glu; replaces lysine 3680 with glutamic acid.
Molecular consequence: missense variant.
Genome position (GRCh38, 1-based): chr1:21,833,325, T>C on the plus strand (A>G on the coding strand, the complement: HSPG2 is on the minus strand). VCF-style: chr1-21833325-T-C. GRCh37 (hg19) VCF-style: chr1-22159818-T-C.
Other names: c.11041A>G, p.Lys3681Glu (NM_001291860.2); short protein forms K3681E, K3680E.
Identifiers: ClinVar variation 1495286 (VCV001495286.3), dbSNP rs2152694872, ClinGen allele CA338906633.